The following is an entry in ClinVar:

NM_015015.3(KDM4B):c.3182C>T (p.Pro1061Leu)

Gene: KDM4B (lysine demethylase 4B; plus strand). Cytogenetic location: 19p13.3.
Variant type: single nucleotide variant.
Coding change: c.3182C>T on transcript NM_015015.3 (MANE Select); coding-DNA position 3182, C replaced by T.
Protein change: p.Pro1061Leu; replaces proline 1061 with leucine.
Molecular consequence: missense variant.
Genome position (GRCh38, 1-based): chr19:5,151,402, C>T. VCF-style: chr19-5151402-C-T. GRCh37 (hg19) VCF-style: chr19-5151413-C-T.
Other names: c.3284C>T, p.Pro1095Leu (NM_001411148.1); short protein forms P1061L, P1095L.
Identifiers: ClinVar variation 4979423 (VCV004979423.1).

ClinVar aggregate classification (germline): Likely benign (1 of 4 stars; one submission).

Conditions:
KDM4B-related disorder. Also called: KDM4B-related condition.

gnomAD v4.1: 51 of 1,581,960 alleles (0.0032%); highest among the groups gnomAD compares: East Asian, 0.068%; no homozygotes.

Submission:

PreventionGenetics, part of Exact Sciences
Classification: Likely benign for KDM4B-related condition. Last evaluated: 2026-03-11. Review status: criteria provided, single submitter. Criteria: ACMG Guidelines, 2015. Collection method: clinical testing. Allele origin: germline.
Comment: This variant is classified as likely benign based on ACMG/AMP sequence variant interpretation guidelines (Richards et al. 2015 PMID: 25741868, with internal and published modifications).